The following is an entry in ClinVar:

ClinVar aggregate classification (germline): Uncertain significance. Review status: criteria provided, multiple submitters, no conflicts (2 of 4 stars). 4 submissions from 3 submitters: Uncertain significance (4). Last evaluated 2024-06-08.

Conditions:
Familial cutaneous telangiectasia and oropharyngeal predisposition cancer syndrome. Identifiers: Orphanet 313846, MedGen C3281203, MONDO:0013806, OMIM 614564.
Seckel syndrome 1 (SCKL1). Also called: MICROCEPHALIC PRIMORDIAL DWARFISM I. Identifiers: Orphanet 808, MedGen C4551474, MONDO:0008869, OMIM 210600.
Inborn genetic diseases. Identifiers: MedGen C0950123, MeSH D030342.

Submissions (4):

Ambry Genetics
Classification: Uncertain significance for Inborn genetic diseases. Last evaluated: 2024-06-08. Review status: criteria provided, single submitter. Criteria: Ambry Variant Classification Scheme 2023. Collection method: clinical testing. Allele origin: germline.
Comment: The p.N616D variant (also known as c.1846A>G), located in coding exon 8 of the ATR gene, results from an A to G substitution at nucleotide position 1846. The asparagine at codon 616 is replaced by aspartic acid, an amino acid with highly similar properties. This amino acid position is conserved. In addition, this alteration is predicted to be tolerated by in silico analysis. Since supporting evidence is limited at this time, the clinical significance of this alteration remains unclear.

Labcorp Genetics (formerly Invitae), Labcorp
Classification: Uncertain significance. Last evaluated: 2024-02-24. Review status: criteria provided, single submitter. Criteria: Invitae Variant Classification Sherloc (09022015). Collection method: clinical testing. Allele origin: germline.
Comment: This sequence change replaces asparagine, which is neutral and polar, with aspartic acid, which is acidic and polar, at codon 616 of the ATR protein (p.Asn616Asp). This variant is not present in population databases (gnomAD no frequency). This variant has not been reported in the literature in individuals affected with ATR-related conditions. ClinVar contains an entry for this variant (Variation ID: 1362602). Algorithms developed to predict the effect of missense changes on protein structure and function output the following: SIFT: "Not Available"; PolyPhen-2: "Benign"; Align-GVGD: "Not Available". The aspartic acid amino acid residue is found in multiple mammalian species, which suggests that this missense change does not adversely affect protein function. In summary, the available evidence is currently insufficient to determine the role of this variant in disease. Therefore, it has been classified as a Variant of Uncertain Significance.

Genome-Nilou Lab
Classification: Uncertain significance for Seckel syndrome 1. Last evaluated: 2023-02-08. Review status: criteria provided, single submitter. Criteria: ACMG Guidelines, 2015. Collection method: clinical testing. Allele origin: germline.

Genome-Nilou Lab
Classification: Uncertain significance for Familial cutaneous telangiectasia and oropharyngeal predisposition cancer syndrome. Last evaluated: 2023-02-08. Review status: criteria provided, single submitter. Criteria: ACMG Guidelines, 2015. Collection method: clinical testing. Allele origin: germline.

NM_001184.4(ATR):c.1846A>G (p.Asn616Asp)

Gene: ATR (ATR checkpoint kinase; minus strand). Cytogenetic location: 3q23.
Variant type: single nucleotide variant.
Coding change: c.1846A>G on transcript NM_001184.4 (MANE Select); coding-DNA position 1846, A replaced by G.
Protein change: p.Asn616Asp; replaces asparagine 616 with aspartic acid.
Molecular consequence: missense variant.
Genome position (GRCh38, 1-based): chr3:142,558,663, T>C on the plus strand (A>G on the coding strand, the complement: ATR is on the minus strand). VCF-style: chr3-142558663-T-C. GRCh37 (hg19) VCF-style: chr3-142277505-T-C.
Other names: c.1654A>G, p.Asn552Asp (NM_001354579.2); short protein forms N552D, N616D.
Identifiers: ClinVar variation 1362602 (VCV001362602.11), dbSNP rs2108477346, ClinGen allele CA354820882.